The following is an entry in ClinVar:

ClinVar aggregate classification (germline): Likely benign (1 of 4 stars; one submission).

Conditions:
Familial thoracic aortic aneurysm and aortic dissection (TAAD). Also called: Thoracic aortic aneurysms and dissections. Identifiers: Orphanet 91387, MedGen C4707243, MONDO:0019625.

Allele frequency attached by ClinVar (database versions not stated): TOPMed below 0.00001; gnomAD 0.00001; gnomAD exomes 0.00001.
gnomAD v4.1: 4 of 1,614,046 alleles (0.00025%); highest among the groups gnomAD compares: Admixed American, 0.0017%; no homozygotes.

Submission:

All of Us Research Program, National Institutes of Health
Classification: Likely benign for Familial thoracic aortic aneurysm and aortic dissection. Last evaluated: 2023-12-01. Review status: criteria provided, single submitter. Criteria: ACMG Guidelines, 2015. Collection method: clinical testing. Allele origin: germline. Inheritance: Autosomal dominant inheritance. Observed: 2 variant alleles, 2 heterozygotes.
Comment: This study involves interpretation of variants in research participants for the purpose of population health screening. Participant phenotype was not available at the time of variant classification. Additional details can be found in publication PMID: 35346344, PMCID: PMC8962531

NM_002474.3(MYH11):c.4485C>T (p.Ala1495=)

Genes: MYH11 (myosin heavy chain 11; minus strand), NDE1 (nudE neurodevelopment protein 1; plus strand). Cytogenetic location: 16p13.11.
Variant type: single nucleotide variant.
Coding change: c.4485C>T on transcript NM_002474.3 (MANE Select); coding-DNA position 4485, C replaced by T.
Protein change: p.Ala1495=; no amino-acid change (alanine 1495 retained).
Molecular consequence: synonymous variant. On other transcripts: intron variant (2).
Genome position (GRCh38, 1-based): chr16:15,721,515, G>A on the plus strand (C>T on the coding strand, the complement: MYH11 is on the minus strand). VCF-style: chr16-15721515-G-A. GRCh37 (hg19) VCF-style: chr16-15815372-G-A.
Other names: c.4506C>T, p.Ala1502= (NM_001040113.2, NM_001040114.2); c.4485C>T, p.Ala1495= (NM_022844.3); c.948-2676G>A (NM_001143979.2, NM_017668.3).
Identifiers: ClinVar variation 3072273 (VCV003072273.1), dbSNP rs1280626629, ClinGen allele CA494087856.